The following is an entry in ClinVar:

NM_001134407.3(GRIN2A):c.2107C>T (p.Gln703Ter)

Gene: GRIN2A (glutamate ionotropic receptor NMDA type subunit 2A; minus strand). Cytogenetic location: 16p13.2.
Variant type: single nucleotide variant.
Coding change: c.2107C>T on transcript NM_001134407.3 (MANE Select); coding-DNA position 2107, C replaced by T.
Protein change: p.Gln703Ter; replaces glutamine 703 with a stop codon.
Molecular consequence: nonsense.
Genome position (GRCh38, 1-based): chr16:9,822,325, G>A on the plus strand (C>T on the coding strand, the complement: GRIN2A is on the minus strand). VCF-style: chr16-9822325-G-A. GRCh37 (hg19) VCF-style: chr16-9916182-G-A.
Other names: c.2107C>T, p.Gln703Ter (NM_000833.5, NM_001134408.2); short protein forms Q703*.
Identifiers: ClinVar variation 4293296 (VCV004293296.1).
Genomic context (GRCh38, chr16:9,822,325, plus strand): 5'-CCGTTTTCAGGCTGACCAAGGCGTCCTCTACTCCTTTCTGATTAAATTTGGTCATGTACT[G>A]ATGCATGTAGGGATAGTTATTCCGAATGTTTCTCTCCGTGCTTCCATTAGGCACTGTCCC-3'

ClinVar aggregate classification (germline): Pathogenic (1 of 4 stars; one submission).

Conditions:
Landau-Kleffner syndrome (FESD). Also called: EPILEPSY, FOCAL, WITH SPEECH DISORDER AND WITH OR WITHOUT MENTAL RETARDATION; APHASIA, ACQUIRED, WITH EPILEPSY. Identifiers: Orphanet 1945, Orphanet 725, Orphanet 98818, MedGen C0282512, MONDO:0009509, OMIM 245570.

Submission:

3billion
Classification: Pathogenic for Landau-Kleffner syndrome. Last evaluated: 2024-09-13. Review status: criteria provided, single submitter. Criteria: ACMG Guidelines, 2015. Collection method: clinical testing. Allele origin: germline. Affected: yes.
Comment: The variant is not observed in the gnomAD v4.0.0 dataset. Predicted Consequence/Location: Stop-gained (nonsense): predicted to result in a loss or disruption of normal protein function through nonsense-mediated decay (NMD) or protein truncation. Multiple pathogenic variants are reported downstream of the variant. The variant has been previously reported as de novo in a similarly affected individual (PMID: 33897753). The variant has been reported to be associated with GRIN2A-related disorder (PMID: 33897753). Therefore, this variant is classified as Pathogenic according to the recommendation of ACMG/AMP guideline.

Literature cited by the submitters: PubMed 33897753.